The following is an entry in ClinVar:

ClinVar aggregate classification (germline): Uncertain significance (1 of 4 stars; one submission).

Conditions:
FADD-related immunodeficiency. Also called: Infections, recurrent, with encephalopathy, hepatic dysfunction, and cardiovascular malformations; FADD DEFICIENCY. Identifiers: Orphanet 306550, MedGen C3151062, MONDO:0013408, OMIM 613759.

gnomAD v4.1: 3 of 1,608,900 alleles (0.00019%); highest among the groups gnomAD compares: Non-Finnish European, 0.00025%; no homozygotes.

Submission:

Labcorp Genetics (formerly Invitae), Labcorp
Classification: Uncertain significance for FADD-related immunodeficiency. Last evaluated: 2024-02-17. Review status: criteria provided, single submitter. Criteria: Invitae Variant Classification Sherloc (09022015). Collection method: clinical testing. Allele origin: germline.
Comment: This sequence change replaces serine, which is neutral and polar, with glycine, which is neutral and non-polar, at codon 18 of the FADD protein (p.Ser18Gly). The frequency data for this variant in the population databases is considered unreliable, as metrics indicate poor data quality at this position in the gnomAD database. This variant has not been reported in the literature in individuals affected with FADD-related conditions. ClinVar contains an entry for this variant (Variation ID: 1361202). Algorithms developed to predict the effect of missense changes on protein structure and function output the following: SIFT: "Not Available"; PolyPhen-2: "Benign"; Align-GVGD: "Not Available". The glycine amino acid residue is found in multiple mammalian species, which suggests that this missense change does not adversely affect protein function. In summary, the available evidence is currently insufficient to determine the role of this variant in disease. Therefore, it has been classified as a Variant of Uncertain Significance.

NM_003824.4(FADD):c.52A>G (p.Ser18Gly)

Gene: FADD (Fas associated via death domain; plus strand). Cytogenetic location: 11q13.3.
Variant type: single nucleotide variant.
Coding change: c.52A>G on transcript NM_003824.4 (MANE Select); coding-DNA position 52, A replaced by G.
Protein change: p.Ser18Gly; replaces serine 18 with glycine.
Molecular consequence: missense variant.
Genome position (GRCh38, 1-based): chr11:70,203,511, A>G. VCF-style: chr11-70203511-A-G. GRCh37 (hg19) VCF-style: chr11-70049617-A-G.
Other names: short protein forms S18G.
Identifiers: ClinVar variation 1361202 (VCV001361202.7), dbSNP rs1408886315, ClinGen allele CA381664957.